The following is an entry in ClinVar:

NM_000535.7(PMS2):c.860G>A (p.Arg287Lys)

Gene: PMS2 (PMS1 homolog 2, mismatch repair system component; minus strand). Cytogenetic location: 7p22.1.
Variant type: single nucleotide variant.
Coding change: c.860G>A on transcript NM_000535.7 (MANE Select); coding-DNA position 860, G replaced by A.
Protein change: p.Arg287Lys; replaces arginine 287 with lysine.
Molecular consequence: missense variant. On other transcripts: 5 prime UTR variant (2), non-coding transcript variant (1).
Genome position (GRCh38, 1-based): chr7:5,995,577, C>T on the plus strand (G>A on the coding strand, the complement: PMS2 is on the minus strand). VCF-style: chr7-5995577-C-T. GRCh37 (hg19) VCF-style: chr7-6035208-C-T.
Other names: c.455G>A, p.Arg152Lys (NM_001322003.2, NM_001322004.2, NM_001322005.2 and 2 more transcripts); c.860G>A, p.Arg287Lys (NM_001322006.2, NM_001322014.2); c.542G>A, p.Arg181Lys (NM_001322007.2, NM_001322008.2); c.-74G>A (NM_001322011.2, NM_001322012.2); c.287G>A, p.Arg96Lys (NM_001322013.2); c.551G>A, p.Arg184Lys (NM_001322015.2); short protein forms R287K, R96K, R152K, R181K, R184K.
Identifiers: ClinVar variation 411036 (VCV000411036.12), dbSNP rs1060503122, ClinGen allele CA16612396.

ClinVar aggregate classification (germline): Uncertain significance. Review status: criteria provided, multiple submitters, no conflicts (2 of 4 stars). 2 submissions from 2 submitters: Uncertain significance (2). Last evaluated 2024-04-15.

Conditions:
Hereditary nonpolyposis colorectal neoplasms. Identifiers: MedGen C0009405, MeSH D003123.
Hereditary cancer-predisposing syndrome. Also called: Tumor predisposition; Hereditary Cancer Syndrome; Hereditary neoplastic syndrome; Neoplastic Syndromes, Hereditary. Identifiers: Orphanet 140162, MedGen C0027672, MeSH D009386, MONDO:0015356.

Submissions (2):

Labcorp Genetics (formerly Invitae), Labcorp
Classification: Uncertain significance for Hereditary nonpolyposis colorectal neoplasms. Last evaluated: 2024-04-15. Review status: criteria provided, single submitter. Criteria: Invitae Variant Classification Sherloc (09022015). Collection method: clinical testing. Allele origin: germline.
Comment: This sequence change replaces arginine, which is basic and polar, with lysine, which is basic and polar, at codon 287 of the PMS2 protein (p.Arg287Lys). This variant is not present in population databases (gnomAD no frequency). This variant has not been reported in the literature in individuals affected with PMS2-related conditions. ClinVar contains an entry for this variant (Variation ID: 411036). Advanced modeling of protein sequence and biophysical properties (such as structural, functional, and spatial information, amino acid conservation, physicochemical variation, residue mobility, and thermodynamic stability) performed at Invitae indicates that this missense variant is expected to disrupt PMS2 protein function with a positive predictive value of 80%. In summary, the available evidence is currently insufficient to determine the role of this variant in disease. Therefore, it has been classified as a Variant of Uncertain Significance.

Color Diagnostics, LLC DBA Color Health
Classification: Uncertain significance for Hereditary cancer-predisposing syndrome. Last evaluated: 2024-03-06. Review status: criteria provided, single submitter. Criteria: ACMG Guidelines, 2015. Collection method: clinical testing. Allele origin: germline.
Comment: This missense variant replaces arginine with lysine at codon 287 of the PMS2 protein. Computational prediction tool is inconclusive regarding the impact of this variant on protein structure and function (internally defined REVEL score threshold 0.5 < inconclusive < 0.7, PMID: 27666373). Splice site prediction tools suggest that this variant may not impact RNA splicing. To our knowledge, functional studies have not been performed for this variant. This variant has not been reported in individuals affected with hereditary cancer in the literature. This variant has not been identified in the general population by the Genome Aggregation Database (gnomAD). The available evidence is insufficient to determine the role of this variant in disease conclusively. Therefore, this variant is classified as a Variant of Uncertain Significance.